The following is an entry in ClinVar:

NM_015335.5(MED13L):c.88A>G (p.Ile30Val)

Gene: MED13L (mediator complex subunit 13L; minus strand). Cytogenetic location: 12q24.21.
Variant type: single nucleotide variant.
Coding change: c.88A>G on transcript NM_015335.5 (MANE Select); coding-DNA position 88, A replaced by G.
Protein change: p.Ile30Val; replaces isoleucine 30 with valine.
Molecular consequence: missense variant.
Genome position (GRCh38, 1-based): chr12:116,237,690, T>C on the plus strand (A>G on the coding strand, the complement: MED13L is on the minus strand). VCF-style: chr12-116237690-T-C. GRCh37 (hg19) VCF-style: chr12-116675495-T-C.
Other names: short protein forms I30V.
Identifiers: ClinVar variation 1314543 (VCV001314543.2), dbSNP rs2138459773, ClinGen allele CA386927698.

ClinVar aggregate classification (germline): Uncertain significance (1 of 4 stars; one submission).

Allele frequency attached by ClinVar (database versions not stated): gnomAD exomes below 0.00001.
gnomAD v4.1: 4 of 1,614,180 alleles (0.00025%); highest among the groups gnomAD compares: Non-Finnish European, 0.00034%; no homozygotes.

Submission:

GeneDx
Classification: Uncertain significance. Last evaluated: 2021-04-09. Review status: criteria provided, single submitter. Criteria: GeneDx Variant Classification Process June 2021. Collection method: clinical testing. Allele origin: germline. Affected: yes.
Comment: Not observed in large population cohorts (Lek et al., 2016); In silico analysis supports that this missense variant does not alter protein structure/function; Has not been previously published as pathogenic or benign to our knowledge